The following is an entry in ClinVar:

NM_004946.3(DOCK2):c.5421C>T (p.Phe1807=)

Gene: DOCK2 (dedicator of cytokinesis 2; plus strand). Cytogenetic location: 5q35.1.
Variant type: single nucleotide variant.
Coding change: c.5421C>T on transcript NM_004946.3 (MANE Select); coding-DNA position 5421, C replaced by T.
Protein change: p.Phe1807=; no amino-acid change (phenylalanine 1807 retained).
Molecular consequence: synonymous variant. On other transcripts: non-coding transcript variant (1).
Genome position (GRCh38, 1-based): chr5:170,081,975, C>T. VCF-style: chr5-170081975-C-T. GRCh37 (hg19) VCF-style: chr5-169508979-C-T.
Identifiers: ClinVar variation 1957686 (VCV001957686.5), dbSNP rs2532523185, ClinGen allele CA447783869.

ClinVar aggregate classification (germline): Uncertain significance (1 of 4 stars; one submission).

Conditions:
DOCK2 deficiency. Also called: Immunodeficiency 40. Identifiers: Orphanet 447737, MedGen C4225328, MONDO:0014637, OMIM 616433.

Allele frequency attached by ClinVar (database versions not stated): gnomAD exomes below 0.00001.
gnomAD v4.1: 3 of 1,613,786 alleles (0.00019%); highest among the groups gnomAD compares: South Asian, 0.0011%; no homozygotes.

Submission:

Labcorp Genetics (formerly Invitae), Labcorp
Classification: Uncertain significance for DOCK2 deficiency. Last evaluated: 2022-06-14. Review status: criteria provided, single submitter. Criteria: Invitae Variant Classification Sherloc (09022015). Collection method: clinical testing. Allele origin: germline.
Comment: This sequence change affects codon 1807 of the DOCK2 mRNA. It is a 'silent' change, meaning that it does not change the encoded amino acid sequence of the DOCK2 protein. This variant is not present in population databases (gnomAD no frequency). This variant has not been reported in the literature in individuals affected with DOCK2-related conditions. Algorithms developed to predict the effect of sequence changes on RNA splicing suggest that this variant may create or strengthen a splice site. In summary, the available evidence is currently insufficient to determine the role of this variant in disease. Therefore, it has been classified as a Variant of Uncertain Significance.